The following is an entry in ClinVar:

NM_001347721.2(DYRK1A):c.657del (p.Phe219fs)

Gene: DYRK1A (dual specificity tyrosine phosphorylation regulated kinase 1A; plus strand). Cytogenetic location: 21q22.13.
Variant type: Deletion.
Coding change: c.657del on transcript NM_001347721.2 (MANE Select); coding-DNA position 657, one base deleted (T; older notation c.657delT).
Protein change: p.Phe219fs; shifts the reading frame from phenylalanine 219.
Molecular consequence: frameshift variant.
Genome position (GRCh38, 1-based): chr21:37,490,194, T deleted; the last of 3 consecutive T bases (chr21:37,490,192-37,490,194); deleting any one gives the same sequence. VCF-style (leftmost placement, unchanged base first): chr21-37490191-CT-C. GRCh37 (hg19) VCF-style: chr21-38862493-CT-C.
Other names: c.657del, p.Phe219fs (NM_001347722.2, NM_130436.2); c.570del, p.Phe190fs (NM_001347723.2); c.684del, p.Phe228fs (NM_001396.5, NM_101395.2, NM_130438.2); short protein forms F190fs, F219fs, F228fs.
Identifiers: ClinVar variation 3235161 (VCV003235161.1), dbSNP rs2518027659.

ClinVar aggregate classification (germline): Pathogenic (1 of 4 stars; one submission).

Conditions:
DYRK1A-related intellectual disability syndrome (MRD7). Also called: DYRK1A Syndrome; Intellectual developmental disorder, autosomal dominant 7. Identifiers: Orphanet 464306, MedGen C5568143, MONDO:0013578, OMIM 614104.

Submission:

MVZ Medizinische Genetik Mainz
Classification: Pathogenic for DYRK1A-related intellectual disability syndrome. Last evaluated: 2022-05-18. Review status: criteria provided, single submitter. Criteria: UK Practice Guidelines For Variant Classification V4 01 2020. Collection method: clinical testing. Allele origin: germline. Inheritance: Autosomal dominant inheritance. Affected: yes. Observed: 1 variant allele.
Comment: ACMG Criteria: PVS1, PS2, PM2_SUP